The following is an entry in ClinVar:

NM_001197104.2(KMT2A):c.2375T>C (p.Leu792Ser)

Gene: KMT2A (lysine methyltransferase 2A; plus strand). Cytogenetic location: 11q23.3.
Variant type: single nucleotide variant.
Coding change: c.2375T>C on transcript NM_001197104.2 (MANE Select); coding-DNA position 2375, T replaced by C.
Protein change: p.Leu792Ser; replaces leucine 792 with serine.
Molecular consequence: missense variant.
Genome position (GRCh38, 1-based): chr11:118,473,534, T>C. VCF-style: chr11-118473534-T-C. GRCh37 (hg19) VCF-style: chr11-118344249-T-C.
Other names: c.2474T>C, p.Leu825Ser (NM_001412597.1); c.2375T>C, p.Leu792Ser (NM_005933.4); short protein forms L792S, L825S.
Identifiers: ClinVar variation 3343046 (VCV003343046.2).

ClinVar aggregate classification (germline): Uncertain significance (1 of 4 stars; one submission).

Submission:

GeneDx
Classification: Uncertain significance. Last evaluated: 2025-10-22. Review status: criteria provided, single submitter. Criteria: GeneDx Variant Classification Process June 2021. Collection method: clinical testing. Allele origin: germline.
Comment: Not observed at significant frequency in large population cohorts (gnomAD); In silico analysis suggests that this missense variant does not alter protein structure/function; Has not been previously published as pathogenic or benign to our knowledge